The following is an entry in ClinVar:

ClinVar aggregate classification (germline): Uncertain significance (1 of 4 stars; one submission).

Conditions:
Developmental and epileptic encephalopathy, 11 (DEE11). Also called: Early infantile epileptic encephalopathy 11. Identifiers: Orphanet 1934, MedGen C3150987, MONDO:0013388, OMIM 613721.
Seizures, benign familial infantile, 3 (BFIS3). Also called: CONVULSIONS, BENIGN FAMILIAL INFANTILE, 3; Familial neonatal seizures. Identifiers: Orphanet 140927, Orphanet 306, MedGen C1843140, MONDO:0011904, OMIM 607745.

Submission:

Labcorp Genetics (formerly Invitae), Labcorp
Classification: Uncertain significance for Seizures, benign familial infantile, 3; Developmental and epileptic encephalopathy, 11. Last evaluated: 2024-09-30. Review status: criteria provided, single submitter. Criteria: Invitae Variant Classification Sherloc (09022015). Collection method: clinical testing. Allele origin: germline.
Comment: This sequence change replaces proline, which is neutral and non-polar, with leucine, which is neutral and non-polar, at codon 152 of the SCN2A protein (p.Pro152Leu). This variant is not present in population databases (gnomAD no frequency). This variant has not been reported in the literature in individuals affected with SCN2A-related conditions. Invitae Evidence Modeling of protein sequence and biophysical properties (such as structural, functional, and spatial information, amino acid conservation, physicochemical variation, residue mobility, and thermodynamic stability) indicates that this missense variant is expected to disrupt SCN2A protein function with a positive predictive value of 95%. Algorithms developed to predict the effect of sequence changes on RNA splicing suggest that this variant may disrupt the consensus splice site. In summary, the available evidence is currently insufficient to determine the role of this variant in disease. Therefore, it has been classified as a Variant of Uncertain Significance.

NM_001040142.2(SCN2A):c.455C>T (p.Pro152Leu)

Gene: SCN2A (sodium voltage-gated channel alpha subunit 2; plus strand). Cytogenetic location: 2q24.3.
Variant type: single nucleotide variant.
Coding change: c.455C>T on transcript NM_001040142.2 (MANE Select); coding-DNA position 455, C replaced by T.
Protein change: p.Pro152Leu; replaces proline 152 with leucine.
Molecular consequence: missense variant.
Genome position (GRCh38, 1-based): chr2:165,307,916, C>T. VCF-style: chr2-165307916-C-T. GRCh37 (hg19) VCF-style: chr2-166164426-C-T.
Other names: c.455C>T, p.Pro152Leu (NM_021007.3, NM_001040143.2, NM_001371246.1 and 1 more transcripts); short protein forms P152L.
Identifiers: ClinVar variation 3755777 (VCV003755777.2).